The following is an entry in ClinVar:

ClinVar aggregate classification (germline): Likely pathogenic (0 of 4 stars; one submission).

Conditions:
Breast-ovarian cancer, familial, susceptibility to, 1 (BROVCA1). Also called: BRCA1 Hereditary Breast and Ovarian Cancer; OVARIAN CANCER, SUSCEPTIBILITY TO. Identifiers: Orphanet 145, MedGen C2676676, MONDO:0011450, OMIM 604370. Disease mechanism: loss of function.

Submissions (2):

BRCAlab, Lund University
Classification: Likely pathogenic for Breast-ovarian cancer, familial, susceptibility to, 1. Last evaluated: 2024-02-02. Review status: no assertion criteria provided. Collection method: clinical testing. Allele origin: germline. Affected: yes.

Brotman Baty Institute, University of Washington
No classification provided (evidence only). Condition: Breast-ovarian cancer, familial 1. Review status: no classification provided. Collection method: in vitro. Allele origin: not applicable. Functional consequence: functionally_abnormal. Not counted in ClinVar's aggregate classification.
ClinVar note: "not provided" was previously submitted as the classification for the variant. However, the classification appeared to be based only on an observation of functional data so it was converted to no classification on 2025-07-30.

NM_007294.4(BRCA1):c.104T>C (p.Val35Ala)

Gene: BRCA1 (BRCA1 DNA repair associated; minus strand). Cytogenetic location: 17q21.31.
Variant type: single nucleotide variant.
Coding change: c.104T>C on transcript NM_007294.4 (MANE Select); coding-DNA position 104, T replaced by C.
Protein change: p.Val35Ala; replaces valine 35 with alanine.
Molecular consequence: missense variant. On other transcripts: non-coding transcript variant (1), intron variant (1).
Genome position (GRCh38, 1-based): chr17:43,115,756, A>G on the plus strand (T>C on the coding strand, the complement: BRCA1 is on the minus strand). VCF-style: chr17-43115756-A-G. GRCh37 (hg19) VCF-style: chr17-41267773-A-G.
Other names: c.-85T>C (NM_001407571.1, NM_001407853.1, NM_001407879.1 and 52 more transcripts); c.104T>C, p.Val35Ala (NM_001407581.1, NM_001407582.1, NM_001407583.1 and 192 more transcripts); c.-154T>C (NM_001407696.1, NM_001407724.1, NM_001407727.1 and 13 more transcripts); c.-38T>C (NM_001407697.1, NM_001407725.1, NM_001407728.1 and 47 more transcripts); c.-34T>C (NM_001407841.1); c.-201T>C (NM_001407889.1, NM_001407900.1, NM_001408492.1); c.-200T>C (NM_001407960.1, NM_001407962.1, NM_001408510.1 and 1 more transcripts); c.-316T>C (NM_001407965.1); and 2 more; short protein forms V35A.
Identifiers: ClinVar variation 867804 (VCV000867804.4), dbSNP rs1235706456, ClinGen allele CA10601945.